The following is an entry in ClinVar:

ClinVar aggregate classification (germline): Likely benign. Review status: criteria provided, single submitter (1 of 4 stars). 2 submissions from 2 submitters: Likely benign (1). 1 of the submissions does not count toward it. Last evaluated 2024-03-13.

Conditions:
Nephronophthisis. Also called: Juvenile Nephronophthisis. Identifiers: Orphanet 655, MedGen C0687120, MONDO:0019005, HP:0000090.
INVS-related disorder. Also called: INVS-related condition.

Allele frequency attached by ClinVar (database versions not stated): ExAC 0.00001; gnomAD exomes 0.00001; ESP Exome Variant Server 0.00008.
gnomAD v4.1: 13 of 1,614,192 alleles (0.00081%); highest among the groups gnomAD compares: South Asian, 0.0022%; no homozygotes.

Submissions (2):

Labcorp Genetics (formerly Invitae), Labcorp
Classification: Likely benign for Nephronophthisis. Last evaluated: 2024-03-13. Review status: criteria provided, single submitter. Criteria: Invitae Variant Classification Sherloc (09022015). Collection method: clinical testing. Allele origin: germline.

PreventionGenetics, part of Exact Sciences
Classification: Likely benign for INVS-related condition. Last evaluated: 2023-08-24. Review status: no assertion criteria provided. Collection method: clinical testing. Allele origin: germline. Not counted in ClinVar's aggregate classification.
Comment: This variant is classified as likely benign based on ACMG/AMP sequence variant interpretation guidelines (Richards et al. 2015 PMID: 25741868, with internal and published modifications).

NM_014425.5(INVS):c.2334G>A (p.Arg778=)

Gene: INVS (inversin; plus strand). Cytogenetic location: 9q31.1.
Variant type: single nucleotide variant.
Coding change: c.2334G>A on transcript NM_014425.5 (MANE Select); coding-DNA position 2334, G replaced by A.
Protein change: p.Arg778=; no amino-acid change (arginine 778 retained).
Molecular consequence: synonymous variant. On other transcripts: non-coding transcript variant (1).
Genome position (GRCh38, 1-based): chr9:100,292,591, G>A. VCF-style: chr9-100292591-G-A. GRCh37 (hg19) VCF-style: chr9-103054873-G-A.
Other names: c.2046G>A, p.Arg682= (NM_001318381.2); c.1356G>A, p.Arg452= (NM_001318382.2).
Identifiers: ClinVar variation 3051244 (VCV003051244.4), dbSNP rs150102201, ClinGen allele CA5158600.